The following is an entry in ClinVar:

ClinVar aggregate classification (germline): Conflicting classifications of pathogenicity. Review status: criteria provided, conflicting classifications (1 of 4 stars). 4 submissions from 4 submitters: Uncertain significance (2); Likely benign (2). Last evaluated 2026-05-05.

Conditions:
GSN-related disorder. Also called: GSN-related condition.
Finnish type amyloidosis. Also called: AMYLOIDOSIS, HEREDITARY SYSTEMIC 4, FINNISH TYPE; AMYLOID CRANIAL NEUROPATHY WITH LATTICE CORNEAL DYSTROPHY; AMYLOIDOSIS DUE TO MUTANT GELSOLIN; Amyloidosis, familial, Finnish type; Meretoja type amyloidosis; Amyloidosis 5. Identifiers: Orphanet 85448, MedGen C1622345, MONDO:0007097, OMIM 105120.

Allele frequency attached by ClinVar (database versions not stated): ExAC 0.00002; gnomAD 0.00002; TOPMed 0.00002.
gnomAD v4.1: 38 of 1,614,020 alleles (0.0024%); highest among the groups gnomAD compares: Non-Finnish European, 0.0031%; no homozygotes.

Submissions (4):

PreventionGenetics, part of Exact Sciences
Classification: Uncertain significance for GSN-related condition. Last evaluated: 2026-05-05. Review status: criteria provided, single submitter. Criteria: ACMG Guidelines, 2015. Collection method: clinical testing. Allele origin: germline.
Comment: The GSN c.1038A>G variant is not predicted to result in an amino acid change (p.=). This variant occurs at the second to the last nucleotide of exon 7 and is predicted to alter splicing based on available splicing prediction programs (Alamut Visual Plus v1.6.1). However, the use of computer prediction programs is not equivalent to functional evidence. To our knowledge, this variant has not been reported in the literature. This variant is reported in 0.00088% of alleles in individuals of European (Non-Finnish) descent in gnomAD. At this time, the clinical significance of this variant is uncertain due to the absence of conclusive functional and genetic evidence.

Labcorp Genetics (formerly Invitae), Labcorp
Classification: Uncertain significance. Last evaluated: 2025-04-28. Review status: criteria provided, single submitter. Criteria: Invitae Variant Classification Sherloc (09022015). Collection method: clinical testing. Allele origin: germline.
Comment: This sequence change affects codon 346 of the GSN mRNA. It is a 'silent' change, meaning that it does not change the encoded amino acid sequence of the GSN protein. It affects a nucleotide within the consensus splice site. This variant is present in population databases (rs779756580, gnomAD 0.0009%). This variant has not been reported in the literature in individuals affected with GSN-related conditions. ClinVar contains an entry for this variant (Variation ID: 1879741). Algorithms developed to predict the effect of sequence changes on RNA splicing suggest that this variant may disrupt the consensus splice site. In summary, the available evidence is currently insufficient to determine the role of this variant in disease. Therefore, it has been classified as a Variant of Uncertain Significance.

CeGaT Center for Human Genetics Tuebingen
Classification: Likely benign. Last evaluated: 2024-10-01. Review status: criteria provided, single submitter. Criteria: CeGaT Center For Human Genetics Tuebingen Variant Classification Criteria Version 2. Collection method: clinical testing. Allele origin: germline. Affected: yes. Observed: 2 variant alleles.
Comment: GSN: BP4

Fulgent Genetics
Classification: Likely benign for Finnish type amyloidosis. Last evaluated: 2024-01-23. Review status: criteria provided, single submitter. Criteria: ACMG Guidelines, 2015. Collection method: clinical testing. Allele origin: germline.

NM_198252.3(GSN):c.885A>G (p.Lys295=)

Gene: GSN (gelsolin; plus strand). Cytogenetic location: 9q33.2.
Variant type: single nucleotide variant.
Coding change: c.885A>G on transcript NM_198252.3 (MANE Select); coding-DNA position 885, A replaced by G.
Protein change: p.Lys295=; no amino-acid change (lysine 295 retained).
Molecular consequence: synonymous variant.
Genome position (GRCh38, 1-based): chr9:121,317,217, A>G. VCF-style: chr9-121317217-A-G. GRCh37 (hg19) VCF-style: chr9-124079495-A-G.
Other names: c.1038A>G, p.Lys346= (NM_000177.5); c.885A>G, p.Lys295= (NM_001127662.2, NM_001127664.2, NM_001127665.2 and 10 more transcripts); c.993A>G, p.Lys331= (NM_001127663.2); c.918A>G, p.Lys306= (NM_001127666.2, NM_001127667.2, NM_001353063.2 and 13 more transcripts); c.936A>G, p.Lys312= (NM_001258029.2); c.909A>G, p.Lys303= (NM_001258030.2); c.957A>G, p.Lys319= (NM_001353076.2); c.231A>G, p.Lys77= (NM_001353078.2); and 1 more.
Identifiers: ClinVar variation 1879741 (VCV001879741.36), dbSNP rs779756580, ClinGen allele CA5221065.